The following is an entry in ClinVar:

NM_014844.5(TECPR2):c.2307G>A (p.Thr769=)

Gene: TECPR2 (tectonin beta-propeller repeat containing 2; plus strand). Cytogenetic location: 14q32.31.
Variant type: single nucleotide variant.
Coding change: c.2307G>A on transcript NM_014844.5 (MANE Select); coding-DNA position 2307, G replaced by A.
Protein change: p.Thr769=; no amino-acid change (threonine 769 retained).
Molecular consequence: synonymous variant.
Genome position (GRCh38, 1-based): chr14:102,435,124, G>A. VCF-style: chr14-102435124-G-A. GRCh37 (hg19) VCF-style: chr14-102901461-G-A.
Other names: c.2307G>A, p.Thr769= (NM_001172631.3).
Identifiers: ClinVar variation 1080165 (VCV001080165.35), dbSNP rs368168319, ClinGen allele CA7357887.

ClinVar aggregate classification (germline): Likely benign. Review status: criteria provided, multiple submitters, no conflicts (2 of 4 stars). 2 submissions from 2 submitters: Likely benign (2). Last evaluated 2024-10-16.

Conditions:
Hereditary spastic paraplegia 49 (HSAN9). Also called: NEUROPATHY, HEREDITARY SENSORY AND AUTONOMIC, TYPE IX, WITH DEVELOPMENTAL DELAY; Spastic paraplegia 49, autosomal recessive; TECPR2-Related Hereditary Sensory and Autonomic Neuropathy with Intellectual Disability. Identifiers: Orphanet 320385, MedGen C5190860, MONDO:0014016, OMIM 615031.

Allele frequency attached by ClinVar (database versions not stated): ExAC 0.00005; gnomAD exomes 0.00006 and 0.00008; ESP Exome Variant Server 0.00008; gnomAD 0.00008 and 0.00009; TOPMed 0.00009.
gnomAD v4.1: 133 of 1,613,448 alleles (0.0082%); highest among the groups gnomAD compares: Non-Finnish European, 0.0099%; no homozygotes.

Submissions (2):

Labcorp Genetics (formerly Invitae), Labcorp
Classification: Likely benign for Hereditary spastic paraplegia 49. Last evaluated: 2024-10-16. Review status: criteria provided, single submitter. Criteria: Invitae Variant Classification Sherloc (09022015). Collection method: clinical testing. Allele origin: germline.

CeGaT Center for Human Genetics Tuebingen
Classification: Likely benign. Last evaluated: 2023-05-01. Review status: criteria provided, single submitter. Criteria: CeGaT Center For Human Genetics Tuebingen Variant Classification Criteria Version 2. Collection method: clinical testing. Allele origin: germline. Affected: yes. Observed: 1 variant allele.
Comment: TECPR2: BP4, BP7